The following is an entry in ClinVar:

ClinVar aggregate classification (germline): Uncertain significance (1 of 4 stars; one submission).

Allele frequency attached by ClinVar (database versions not stated): gnomAD exomes below 0.00001.
gnomAD v4.1: 1 of 1,613,544 alleles (0.000062%); highest among the groups gnomAD compares: Non-Finnish European, 0.000085%; no homozygotes.

Submission:

Labcorp Genetics (formerly Invitae), Labcorp
Classification: Uncertain significance. Last evaluated: 2021-09-02. Review status: criteria provided, single submitter. Criteria: Invitae Variant Classification Sherloc (09022015). Collection method: clinical testing. Allele origin: germline.
Comment: This sequence change replaces glutamic acid with glycine at codon 448 of the TTC37 protein (p.Glu448Gly). The glutamic acid residue is moderately conserved and there is a moderate physicochemical difference between glutamic acid and glycine. This variant is not present in population databases (ExAC no frequency). This variant has not been reported in the literature in individuals affected with TTC37-related conditions. Algorithms developed to predict the effect of missense changes on protein structure and function (SIFT, PolyPhen-2, Align-GVGD) all suggest that this variant is likely to be tolerated. In summary, the available evidence is currently insufficient to determine the role of this variant in disease. Therefore, it has been classified as a Variant of Uncertain Significance.

NM_014639.4(SKIC3):c.1343A>G (p.Glu448Gly)

Gene: SKIC3 (SKI3 subunit of superkiller complex; minus strand). Cytogenetic location: 5q15.
Variant type: single nucleotide variant.
Coding change: c.1343A>G on transcript NM_014639.4 (MANE Select); coding-DNA position 1343, A replaced by G.
Protein change: p.Glu448Gly; replaces glutamic acid 448 with glycine.
Molecular consequence: missense variant.
Genome position (GRCh38, 1-based): chr5:95,524,574, T>C on the plus strand (A>G on the coding strand, the complement: SKIC3 is on the minus strand). VCF-style: chr5-95524574-T-C. GRCh37 (hg19) VCF-style: chr5-94860278-T-C.
Other names: short protein forms E448G.
Identifiers: ClinVar variation 1480600 (VCV001480600.5), dbSNP rs2112337246, ClinGen allele CA360464498.